The following is an entry in ClinVar:

ClinVar aggregate classification (germline): Likely benign. Review status: criteria provided, multiple submitters, no conflicts (2 of 4 stars). 3 submissions from 3 submitters: Likely benign (2). 1 of the submissions does not count toward it. Last evaluated 2024-11-01.

Conditions:
B9D1-related disorder. Also called: B9D1-related condition; B9D1-related disorders.

Allele frequency attached by ClinVar (database versions not stated): gnomAD exomes 0.00014; 1000 Genomes Project 0.00200; 1000 Genomes Project 30x 0.00250.
gnomAD v4.1: 421 of 1,525,854 alleles (0.028%); highest among the groups gnomAD compares: African/African-American, 0.5%; no homozygotes.

Submissions (3):

Blueprint Genetics
Classification: Likely benign. Last evaluated: 2024-11-01. Review status: criteria provided, single submitter. Criteria: ACMG Guidelines, 2015. Collection method: clinical testing. Allele origin: germline.

Breakthrough Genomics
Classification: Likely benign. Review status: criteria provided, single submitter. Criteria: ACMG Guidelines, 2015. Collection method: not provided. Allele origin: germline. Inheritance: Autosomal recessive inheritance. Affected: yes.

PreventionGenetics, part of Exact Sciences
Classification: Likely benign for B9D1-related condition. Last evaluated: 2019-07-18. Review status: no assertion criteria provided. Collection method: clinical testing. Allele origin: germline. Not counted in ClinVar's aggregate classification.
Comment: This variant is classified as likely benign based on ACMG/AMP sequence variant interpretation guidelines (Richards et al. 2015 PMID: 25741868, with internal and published modifications).

NM_015681.6(B9D1):c.-144C>T

Gene: B9D1 (B9 domain containing 1; minus strand). Cytogenetic location: 17p11.2.
Variant type: single nucleotide variant.
Coding change: c.-144C>T on transcript NM_015681.6 (MANE Select); 144 bases upstream of the start codon, C replaced by T.
Molecular consequence: 5 prime UTR variant. On other transcripts: intron variant (1).
Genome position (GRCh38, 1-based): chr17:19,362,713, G>A on the plus strand (C>T on the coding strand, the complement: B9D1 is on the minus strand). VCF-style: chr17-19362713-G-A. GRCh37 (hg19) VCF-style: chr17-19266026-G-A.
Other names: NM_001243473.2:c.9C>T; c.-144C>T (NM_001321214.2, NM_001321215.3, NM_001321216.2 and 4 more transcripts); c.-297-2325C>T (NM_001368769.2).
Identifiers: ClinVar variation 3042575 (VCV003042575.4), dbSNP rs537793101, ClinGen allele CA8440434.